The following is an entry in ClinVar:

ClinVar aggregate classification (germline): Pathogenic/Likely pathogenic. Review status: criteria provided, multiple submitters, no conflicts (2 of 4 stars). 4 submissions from 4 submitters: Pathogenic (1); Likely pathogenic (2). 1 of the submissions does not count toward it. Last evaluated 2026-01-16.

Conditions:
Galactosylceramide beta-galactosidase deficiency. Also called: Krabbe Disease; GALACTOCEREBROSIDASE DEFICIENCY; GALC DEFICIENCY; GLOBOID CELL LEUKOENCEPHALOPATHY; Leukodystrophy, Globoid Cell. Identifiers: Orphanet 487, MedGen C0023521, MONDO:0009499, OMIM 245200.

Allele frequency attached by ClinVar (database versions not stated): ExAC 0.00001; gnomAD 0.00001; TOPMed 0.00002.
gnomAD v4.1: 15 of 1,607,432 alleles (0.00093%); highest among the groups gnomAD compares: Admixed American, 0.0017%; no homozygotes.

Submissions (4):

Natera, Inc.
Classification: Likely pathogenic for Galactosylceramide beta-galactosidase deficiency. Last evaluated: 2026-01-16. Review status: criteria provided, single submitter. Criteria: Natera Variant Classification Schema (03/2026). Collection method: clinical testing. Allele origin: germline.
Comment: The c.1898C>T variant in GALC is a missense variant predicted to cause substitution of threonine to methionine at amino acid 633. This variant is rare in the general population with a frequency below the threshold expected for the associated phenotype(s). This variant has been observed in one or more individuals affected with the associated recessive disease, as either homozygous or compound heterozygous with a second variant (PMID: 11003282). Additionally, this variant has been observed to segregate in affected family members (PMID: 11003282). Computational prediction algorithms indicate this variant is likely to affect gene or protein function. Given the available evidence, this variant is classified as Likely Pathogenic.

Labcorp Genetics (formerly Invitae), Labcorp
Classification: Pathogenic for Galactosylceramide beta-galactosidase deficiency. Last evaluated: 2025-07-28. Review status: criteria provided, single submitter. Criteria: Invitae Variant Classification Sherloc (09022015). Collection method: clinical testing. Allele origin: germline.
Comment: This sequence change replaces threonine, which is neutral and polar, with methionine, which is neutral and non-polar, at codon 633 of the GALC protein (p.Thr633Met). This variant is present in population databases (rs766762599, gnomAD 0.0009%). This missense change has been observed in individual(s) with Krabbe disease (PMID: 11151421). In at least one individual the data is consistent with being in trans (on the opposite chromosome) from a pathogenic variant. This variant is also known as T617M. ClinVar contains an entry for this variant (Variation ID: 858517). Invitae Evidence Modeling of protein sequence and biophysical properties (such as structural, functional, and spatial information, amino acid conservation, physicochemical variation, residue mobility, and thermodynamic stability) indicates that this missense variant is expected to disrupt GALC protein function with a positive predictive value of 95%. For these reasons, this variant has been classified as Pathogenic.

Fulgent Genetics
Classification: Likely pathogenic for Galactosylceramide beta-galactosidase deficiency. Last evaluated: 2024-01-29. Review status: criteria provided, single submitter. Criteria: ACMG Guidelines, 2015. Collection method: clinical testing. Allele origin: germline.

Centre for Mendelian Genomics, University Medical Centre Ljubljana
Classification: Uncertain significance for Galactosylceramide beta-galactosidase deficiency. Last evaluated: 2018-10-10. Review status: flagged submission. Criteria: ACMG Guidelines, 2015. Collection method: clinical testing. Allele origin: unknown. Affected: yes. Not counted in ClinVar's aggregate classification.
Comment: This variant was classified as: Uncertain significance. The available evidence on this variant's pathogenicity is insufficient or conflicting. The following ACMG criteria were applied in classifying this variant: PM2,PP3.
ClinVar note: Reason: Outlier claim with insufficient supporting evidence

Literature cited by the submitters: PubMed 11003282 (cited by Natera, Inc.); PubMed 11151421 (cited by Labcorp Genetics (formerly Invitae), Labcorp).

NM_000153.4(GALC):c.1898C>T (p.Thr633Met)

Gene: GALC (galactosylceramidase; minus strand). Cytogenetic location: 14q31.3.
Variant type: single nucleotide variant.
Coding change: c.1898C>T on transcript NM_000153.4 (MANE Select); coding-DNA position 1898, C replaced by T.
Protein change: p.Thr633Met; replaces threonine 633 with methionine.
Molecular consequence: missense variant.
Genome position (GRCh38, 1-based): chr14:87,939,918, G>A on the plus strand (C>T on the coding strand, the complement: GALC is on the minus strand). VCF-style: chr14-87939918-G-A. GRCh37 (hg19) VCF-style: chr14-88406262-G-A.
Other names: c.1829C>T, p.Thr610Met (NM_001201401.2); c.1820C>T, p.Thr607Met (NM_001201402.2); short protein forms T607M, T610M, T633M.
Identifiers: ClinVar variation 858517 (VCV000858517.19), dbSNP rs766762599, ClinGen allele CA7296881.